The following is an entry in ClinVar:

NM_000051.4(ATM):c.1951C>T (p.Leu651=)

Gene: ATM (ATM serine/threonine kinase; plus strand). Cytogenetic location: 11q22.3.
Variant type: single nucleotide variant.
Coding change: c.1951C>T on transcript NM_000051.4 (MANE Select); coding-DNA position 1951, C replaced by T.
Protein change: p.Leu651=; no amino-acid change (leucine 651 retained).
Molecular consequence: synonymous variant.
Genome position (GRCh38, 1-based): chr11:108,253,866, C>T. VCF-style: chr11-108253866-C-T. GRCh37 (hg19) VCF-style: chr11-108124593-C-T.
Other names: c.1951C>T, p.Leu651= (NM_001351834.2).
Identifiers: ClinVar variation 383838 (VCV000383838.19), dbSNP rs1057521751, ClinGen allele CA16606160.

ClinVar aggregate classification (germline): Benign/Likely benign. Review status: criteria provided, multiple submitters, no conflicts (2 of 4 stars). 5 submissions from 5 submitters: Benign (1); Likely benign (4). Last evaluated 2025-12-13.

Conditions:
Hereditary cancer-predisposing syndrome. Also called: Neoplastic Syndromes, Hereditary; Hereditary neoplastic syndrome; Tumor predisposition; Hereditary Cancer Syndrome. Identifiers: Orphanet 140162, MedGen C0027672, MeSH D009386, MONDO:0015356.
Familial cancer of breast. Also called: BREAST CANCER, FAMILIAL; hereditary breast carcinoma; Hereditary breast cancer. Identifiers: Orphanet 227535, MedGen C0346153, MONDO:0016419, OMIM 114480. Disease mechanism: loss of function.
Ataxia-telangiectasia syndrome (AT). Also called: AT, COMPLEMENTATION GROUP C; ATAXIA-TELANGIECTASIA, COMPLEMENTATION GROUP A; ATAXIA-TELANGIECTASIA, FRESNO VARIANT; LOUIS-BAR SYNDROME; Ataxia-telangiectasia; Cerebello-oculocutaneous telangiectasia. Identifiers: Orphanet 100, MedGen C0004135, MONDO:0008840, OMIM 208900.

Allele frequency attached by ClinVar (database versions not stated): TOPMed 0.00001.
gnomAD v4.1: 1 of 1,613,796 alleles (0.000062%); highest among the groups gnomAD compares: Admixed American, 0.0017%; no homozygotes.

Submissions (5):

Labcorp Genetics (formerly Invitae), Labcorp
Classification: Likely benign for Ataxia-telangiectasia syndrome. Last evaluated: 2025-12-13. Review status: criteria provided, single submitter. Criteria: Invitae Variant Classification Sherloc (09022015). Collection method: clinical testing. Allele origin: germline.

Myriad Genetics, Inc.
Classification: Benign for Familial cancer of breast. Last evaluated: 2024-05-02. Review status: criteria provided, single submitter. Criteria: Myriad Autosomal Dominant, Autosomal Recessive and X-Linked Classification Criteria (2023). Collection method: clinical testing. Allele origin: unknown.
Comment: This variant is considered benign. This variant is a silent/synonymous amino acid change and it is not expected to impact splicing.

Color Diagnostics, LLC DBA Color Health
Classification: Likely benign for Hereditary cancer-predisposing syndrome. Last evaluated: 2022-12-13. Review status: criteria provided, single submitter. Criteria: ACMG Guidelines, 2015. Collection method: clinical testing. Allele origin: germline.

GeneDx
Classification: Likely benign. Last evaluated: 2019-05-15. Review status: criteria provided, single submitter. Criteria: GeneDx Variant Classification Process June 2021. Collection method: clinical testing. Allele origin: germline. Affected: yes.
Comment: Not observed in large population cohorts (Lek et al., 2016)

Ambry Genetics
Classification: Likely benign for Hereditary cancer-predisposing syndrome. Last evaluated: 2017-03-21. Review status: criteria provided, single submitter. Criteria: Ambry Variant Classification Scheme 2023. Collection method: clinical testing. Allele origin: germline.